The following is an entry in ClinVar:

NM_001267550.2(TTN):c.101505T>C (p.Arg33835=)

Genes: TTN-AS1 (TTN antisense RNA 1; plus strand), TTN (titin; minus strand). Cytogenetic location: 2q31.2.
Variant type: single nucleotide variant.
Coding change: c.101505T>C on transcript NM_001267550.2 (MANE Select); coding-DNA position 101505, T replaced by C.
Protein change: p.Arg33835=; no amino-acid change (arginine 33835 retained).
Molecular consequence: synonymous variant.
Genome position (GRCh38, 1-based): chr2:178,535,110, A>G on the plus strand (T>C on the coding strand, the complement: TTN is on the minus strand). VCF-style: chr2-178535110-A-G. GRCh37 (hg19) VCF-style: chr2-179399837-A-G.
Other names: c.96582T>C, p.Arg32194= (NM_001256850.1); c.74310T>C, p.Arg24770= (NM_003319.4); c.93801T>C, p.Arg31267= (NM_133378.4); c.74685T>C, p.Arg24895= (NM_133432.3); c.74886T>C, p.Arg24962= (NM_133437.4); c.101505T>C (NM_001267550.1).
Identifiers: ClinVar variation 751128 (VCV000751128.16), dbSNP rs368694347, ClinGen allele CA1985874.
Genomic context (GRCh38, chr2:178,535,110, plus strand): 5'-AGTCCCTTTGACTTTAACAAATTTGGCCATGTATGTCTTCTTTGAGGATGTTTCAACACA[A>G]CGATGGACAATTCCAAACTCACCACGCCCAAGATCTTCAGCAATCATATATTTCTCATAG-3'
Protein context (NP_001254479.2, residues 33825-33845): LGRGEFGIVH[Arg33835=]CVETSSKKTY

ClinVar aggregate classification (germline): Likely benign. Review status: criteria provided, multiple submitters, no conflicts (2 of 4 stars). 5 submissions from 5 submitters: Likely benign (5). Last evaluated 2026-05-01.

Conditions:
Dilated cardiomyopathy 1G (CMD1G). Identifiers: Orphanet 154, MedGen C1858763, MONDO:0011400, OMIM 604145.
Autosomal recessive limb-girdle muscular dystrophy type 2J (LGMDR10). Also called: MUSCULAR DYSTROPHY, LIMB-GIRDLE, AUTOSOMAL RECESSIVE 10; Limb-girdle muscular dystrophy, type 2J. Identifiers: Orphanet 140922, MedGen C1837342, MONDO:0012127, OMIM 608807.
Cardiovascular phenotype. Identifiers: MedGen CN230736.
Cardiomyopathy (CMYO). Also called: Cardiomyopathies. Identifiers: Orphanet 167848, MedGen C0878544, MONDO:0004994, HP:0001638. Inheritance: Various modes of inheritance.

Allele frequency attached by ClinVar (database versions not stated): gnomAD exomes 0.00003 and 0.00004; ExAC 0.00004; gnomAD 0.00006; TOPMed 0.00006; ESP Exome Variant Server 0.00008; 1000 Genomes Project 30x 0.00016.
gnomAD v4.1: 68 of 1,613,842 alleles (0.0042%); highest among the groups gnomAD compares: Non-Finnish European, 0.0055%; no homozygotes.

Submissions (5):

CeGaT Center for Human Genetics Tuebingen
Classification: Likely benign. Last evaluated: 2026-05-01. Review status: criteria provided, single submitter. Criteria: CeGaT Center For Human Genetics Tuebingen Variant Classification Criteria Version 2. Collection method: clinical testing. Allele origin: germline. Affected: yes. Observed: 1 variant allele.
Comment: TTN: BP4, BP7

Labcorp Genetics (formerly Invitae), Labcorp
Classification: Likely benign for Dilated cardiomyopathy 1G; Autosomal recessive limb-girdle muscular dystrophy type 2J. Last evaluated: 2025-12-21. Review status: criteria provided, single submitter. Criteria: Invitae Variant Classification Sherloc (09022015). Collection method: clinical testing. Allele origin: germline.

Athena Diagnostics
Classification: Likely benign. Last evaluated: 2025-02-11. Review status: criteria provided, single submitter. Criteria: Athena Diagnostics Criteria. Collection method: clinical testing. Allele origin: unknown.
Comment: Computational tools yielded predictions that this variant is unlikely to have an effect on normal RNA splicing. This nucleotide position exhibits low evolutionary conservation.

CHEO Genetics Diagnostic Laboratory, Children's Hospital of Eastern Ontario
Classification: Likely benign for Cardiomyopathy. Last evaluated: 2020-06-15. Review status: criteria provided, single submitter. Criteria: ACMG Guidelines, 2015. Collection method: clinical testing. Allele origin: germline.

Ambry Genetics
Classification: Likely benign for Cardiovascular phenotype. Last evaluated: 2019-04-26. Review status: criteria provided, single submitter. Criteria: Ambry Variant Classification Scheme 2023. Collection method: clinical testing. Allele origin: germline.